The following is an entry in ClinVar:

ClinVar aggregate classification (germline): Benign (1 of 4 stars; one submission).

Submission:

Women's Health and Genetics/Laboratory Corporation of America, LabCorp
Classification: Benign. Last evaluated: 2019-08-19. Review status: criteria provided, single submitter. Criteria: LabCorp Variant Classification Summary - May 2015. Collection method: clinical testing. Allele origin: germline.
Comment: Variant summary: BRAF c.2128-16delC alters a non-conserved nucleotide located close to a canonical splice site and therefore could affect mRNA splicing, leading to a significantly altered protein sequence. 5/5 computational tools predict no significant impact on normal splicing. However, these predictions have yet to be confirmed by functional studies. The variant allele was found at a frequency of 0.00048 in 156582 control chromosomes, predominantly at a frequency of 0.0012 within the East Asian subpopulation in the gnomAD database. The observed variant frequency within East Asian control individuals in the gnomAD database is approximately 480 fold of the estimated maximal expected allele frequency for a pathogenic variant in BRAF causing Noonan Syndrome and Related Conditions phenotype (2.5e-06), strongly suggesting that the variant is a benign polymorphism found primarily in populations of East Asian origin. To our knowledge, no occurrence of c.2128-16delC in individuals affected with Noonan Syndrome and Related Conditions and no experimental evidence demonstrating its impact on protein function have been reported. No clinical diagnostic laboratories have submitted clinical-significance assessments for this variant to ClinVar after 2014. Based on the evidence outlined above, the variant was classified as benign.

NM_004333.6(BRAF):c.2128-16del

Gene: BRAF (B-Raf proto-oncogene, serine/threonine kinase; minus strand). Cytogenetic location: 7q34.
Variant type: Deletion.
Coding change: c.2128-16del on transcript NM_004333.6 (MANE Select); 16 bases into the intron before coding-DNA position 2128, one base deleted (C; older notation c.2128-16delC).
Molecular consequence: intron variant.
Genome position (GRCh38, 1-based): chr7:140,734,786, G deleted on the plus strand (C on the coding strand, the reverse complement: BRAF is on the minus strand). VCF-style (leftmost placement, unchanged base first): chr7-140734785-AG-A. GRCh37 (hg19) VCF-style: chr7-140434585-AG-A.
Other names: c.2127+5026del (NM_001378474.1, NM_001378468.1); c.2026-16del (NM_001378470.1); c.1864-16del (NM_001378475.1); c.2017-16del (NM_001378471.1); c.2128-16del (NM_001354609.2); c.2248-16del (NM_001374258.1, NM_001374244.1); c.2137-16del (NM_001378467.1); c.1972-16del (NM_001378472.1, NM_001378473.1); and 1 more.
Identifiers: ClinVar variation 928806 (VCV000928806.1), dbSNP rs376886058, ClinGen allele CA168035264.